The following is an entry in ClinVar:

NM_001040108.2(MLH3):c.3458A>T (p.Tyr1153Phe)

Gene: MLH3 (mutL homolog 3; minus strand). Cytogenetic location: 14q24.3.
Variant type: single nucleotide variant.
Coding change: c.3458A>T on transcript NM_001040108.2 (MANE Select); coding-DNA position 3458, A replaced by T.
Protein change: p.Tyr1153Phe; replaces tyrosine 1153 with phenylalanine.
Molecular consequence: missense variant.
Genome position (GRCh38, 1-based): chr14:75,041,622, T>A on the plus strand (A>T on the coding strand, the complement: MLH3 is on the minus strand). VCF-style: chr14-75041622-T-A. GRCh37 (hg19) VCF-style: chr14-75508325-T-A.
Other names: c.3458A>T, p.Tyr1153Phe (NM_014381.3); short protein forms Y1153F.
Identifiers: ClinVar variation 3873506 (VCV003873506.1).
Genomic context (GRCh38, chr14:75,041,622, plus strand): 5'-TAAGAAGAAGAAGAAGAAAAAAAAAAGGCAAAGAAAAACTGCTACAGACCCACCTCTGGA[T>A]AACGGGCAAATACTGGATTGTCCCATTCTGAGAACAAAGACTGAAGCGATTCGCTACTAA-3'
Protein context (NP_001035197.1, residues 1143-1163): SEWDNPVFAR[Tyr1153Phe]PEVAVDVSSG

ClinVar aggregate classification (germline): Uncertain significance (1 of 4 stars; one submission).

Submission:

Ambry Genetics
Classification: Uncertain significance. Last evaluated: 2025-01-27. Review status: criteria provided, single submitter. Criteria: Ambry Variant Classification Scheme 2023. Collection method: clinical testing. Allele origin: germline.
Comment: The p.Y1153F variant (also known as c.3458A>T), located in coding exon 3 of the MLH3 gene, results from an A to T substitution at nucleotide position 3458. The tyrosine at codon 1153 is replaced by phenylalanine, an amino acid with highly similar properties. This amino acid position is conserved. In addition, this alteration is predicted to be tolerated by in silico analysis. Based on the available evidence, the clinical significance of this variant remains unclear.